The following is an entry in ClinVar:

ClinVar aggregate classification (germline): Uncertain significance (1 of 4 stars; one submission).

Allele frequency attached by ClinVar (database versions not stated): gnomAD 0.00004 and 0.00006; gnomAD exomes 0.00005; ESP Exome Variant Server 0.00008; TOPMed 0.00008; ExAC 0.00009; 1000 Genomes Project 0.00040; 1000 Genomes Project 30x 0.00047.

Submission:

Labcorp Genetics (formerly Invitae), Labcorp
Classification: Uncertain significance. Last evaluated: 2025-03-13. Review status: criteria provided, single submitter. Criteria: Invitae Variant Classification Sherloc (09022015). Collection method: clinical testing. Allele origin: germline.
Comment: This sequence change replaces arginine, which is basic and polar, with tryptophan, which is neutral and slightly polar, at codon 277 of the MMP14 protein (p.Arg277Trp). This variant is present in population databases (rs137906578, gnomAD 0.009%). This variant has not been reported in the literature in individuals affected with MMP14-related conditions. ClinVar contains an entry for this variant (Variation ID: 1422409). Invitae Evidence Modeling of protein sequence and biophysical properties (such as structural, functional, and spatial information, amino acid conservation, physicochemical variation, residue mobility, and thermodynamic stability) indicates that this missense variant is expected to disrupt MMP14 protein function with a positive predictive value of 80%. In summary, the available evidence is currently insufficient to determine the role of this variant in disease. Therefore, it has been classified as a Variant of Uncertain Significance.

NM_004995.4(MMP14):c.829C>T (p.Arg277Trp)

Gene: MMP14 (matrix metallopeptidase 14; plus strand). Cytogenetic location: 14q11.2.
Variant type: single nucleotide variant.
Coding change: c.829C>T on transcript NM_004995.4 (MANE Select); coding-DNA position 829, C replaced by T.
Protein change: p.Arg277Trp; replaces arginine 277 with tryptophan.
Molecular consequence: missense variant.
Genome position (GRCh38, 1-based): chr14:22,843,397, C>T. VCF-style: chr14-22843397-C-T. GRCh37 (hg19) VCF-style: chr14-23312606-C-T.
Other names: short protein forms R277W.
Identifiers: ClinVar variation 1422409 (VCV001422409.8), dbSNP rs137906578, ClinGen allele CA7105257.